The following is an entry in ClinVar:

NM_001909.5(CTSD):c.993G>C (p.Lys331Asn)

Gene: CTSD (cathepsin D; minus strand). Cytogenetic location: 11p15.5.
Variant type: single nucleotide variant.
Coding change: c.993G>C on transcript NM_001909.5 (MANE Select); coding-DNA position 993, G replaced by C.
Protein change: p.Lys331Asn; replaces lysine 331 with asparagine.
Molecular consequence: missense variant.
Genome position (GRCh38, 1-based): chr11:1,753,881, C>G on the plus strand (G>C on the coding strand, the complement: CTSD is on the minus strand). VCF-style: chr11-1753881-C-G. GRCh37 (hg19) VCF-style: chr11-1775111-C-G.
Other names: short protein forms K331N.
Identifiers: ClinVar variation 527731 (VCV000527731.6), dbSNP rs1181418072, ClinGen allele CA379093326.

ClinVar aggregate classification (germline): Uncertain significance (1 of 4 stars; one submission).

Conditions:
Neuronal ceroid lipofuscinosis. Also called: Neuronal Ceroid Lipofuscinoses. Identifiers: Orphanet 216, Orphanet 79263, MedGen C0027877, MONDO:0016295. Disease mechanism: loss of function.

Allele frequency attached by ClinVar (database versions not stated): TOPMed below 0.00001.

Submission:

Labcorp Genetics (formerly Invitae), Labcorp
Classification: Uncertain significance for Neuronal ceroid lipofuscinosis. Last evaluated: 2021-09-01. Review status: criteria provided, single submitter. Criteria: Invitae Variant Classification Sherloc (09022015). Collection method: clinical testing. Allele origin: germline.
Comment: This sequence change replaces lysine with asparagine at codon 331 of the CTSD protein (p.Lys331Asn). The lysine residue is highly conserved and there is a moderate physicochemical difference between lysine and asparagine. This variant is not present in population databases (ExAC no frequency). This variant has not been reported in the literature in individuals affected with CTSD-related conditions. Algorithms developed to predict the effect of missense changes on protein structure and function are either unavailable or do not agree on the potential impact of this missense change (SIFT: "Deleterious"; PolyPhen-2: "Benign"; Align-GVGD: "Class C0"). In summary, the available evidence is currently insufficient to determine the role of this variant in disease. Therefore, it has been classified as a Variant of Uncertain Significance.